The following is an entry in ClinVar:

NM_022552.5(DNMT3A):c.2628C>T (p.Asp876=)

Gene: DNMT3A (DNA methyltransferase 3 alpha; minus strand). Cytogenetic location: 2p23.3.
Variant type: single nucleotide variant.
Coding change: c.2628C>T on transcript NM_022552.5 (MANE Select); coding-DNA position 2628, C replaced by T.
Protein change: p.Asp876=; no amino-acid change (aspartic acid 876 retained).
Molecular consequence: synonymous variant. On other transcripts: non-coding transcript variant (1).
Genome position (GRCh38, 1-based): chr2:25,234,390, G>A on the plus strand (C>T on the coding strand, the complement: DNMT3A is on the minus strand). VCF-style: chr2-25234390-G-A. GRCh37 (hg19) VCF-style: chr2-25457259-G-A.
Other names: c.2628C>T, p.Asp876= (NM_175629.2); c.2172C>T, p.Asp724= (NM_001320893.1); c.1959C>T, p.Asp653= (NM_001375819.1); c.2061C>T, p.Asp687= (NM_153759.3); c.2628C>T (NM_022552.3).
Identifiers: ClinVar variation 742643 (VCV000742643.13), dbSNP rs368516543, ClinGen allele CA1555494.
Genomic context (GRCh38, chr2:25,234,390, plus strand): 5'-TGGCACGCTCCATGACCGGCCCAGCAGTCTCTGCCTCGCCAAGCGGCTCATGTTGGAGAC[G>A]TCAGTATAGTGGACTGGGAAACCAAATACCCTGGGGGAGAAAAGGCAGAGAGGGCAGGGT-3'
Protein context (NP_072046.2, residues 866-886): RVFGFPVHYT[Asp876=]VSNMSRLARQ

ClinVar aggregate classification (germline): Likely benign. Review status: criteria provided, multiple submitters, no conflicts (2 of 4 stars). 3 submissions from 3 submitters: Likely benign (2). 1 of the submissions does not count toward it. Last evaluated 2025-10-14.

Conditions:
DNMT3A-related disorder. Also called: DNMT3A-related condition; DNMT3A-related disorders.
Inborn genetic diseases. Identifiers: MedGen C0950123, MeSH D030342.
Tatton-Brown-Rahman overgrowth syndrome. Also called: Tatton-Brown-Rahman syndrome; Tall stature-intellectual disability-facial dysmorphism syndrome. Identifiers: Orphanet 404443, MedGen C4014545, MONDO:0014382, OMIM 615879.

Allele frequency attached by ClinVar (database versions not stated): ExAC 0.00001; gnomAD 0.00004; gnomAD exomes 0.00004; TOPMed 0.00006; ESP Exome Variant Server 0.00008; 1000 Genomes Project 30x 0.00016; 1000 Genomes Project 0.00020.
gnomAD v4.1: 58 of 1,614,014 alleles (0.0036%); highest among the groups gnomAD compares: Admixed American, 0.0083%; no homozygotes.

Submissions (3):

Labcorp Genetics (formerly Invitae), Labcorp
Classification: Likely benign for Tatton-Brown-Rahman overgrowth syndrome. Last evaluated: 2025-10-14. Review status: criteria provided, single submitter. Criteria: Invitae Variant Classification Sherloc (09022015). Collection method: clinical testing. Allele origin: germline.

Ambry Genetics
Classification: Likely benign for Inborn genetic diseases. Last evaluated: 2024-11-22. Review status: criteria provided, single submitter. Criteria: Ambry Variant Classification Scheme 2023. Collection method: clinical testing. Allele origin: germline.

PreventionGenetics, part of Exact Sciences
Classification: Likely benign for DNMT3A-related condition. Last evaluated: 2020-04-17. Review status: no assertion criteria provided. Collection method: clinical testing. Allele origin: germline. Not counted in ClinVar's aggregate classification.
Comment: This variant is classified as likely benign based on ACMG/AMP sequence variant interpretation guidelines (Richards et al. 2015 PMID: 25741868, with internal and published modifications).